The following is an entry in ClinVar:

NM_000270.4(PNP):c.97T>C (p.Ser33Pro)

Gene: PNP (purine nucleoside phosphorylase; plus strand). Cytogenetic location: 14q11.2.
Variant type: single nucleotide variant.
Coding change: c.97T>C on transcript NM_000270.4 (MANE Select); coding-DNA position 97, T replaced by C.
Protein change: p.Ser33Pro; replaces serine 33 with proline.
Molecular consequence: missense variant.
Genome position (GRCh38, 1-based): chr14:20,472,393, T>C. VCF-style: chr14-20472393-T-C. GRCh37 (hg19) VCF-style: chr14-20940552-T-C.
Other names: short protein forms S33P.
Identifiers: ClinVar variation 2500721 (VCV002500721.4), dbSNP rs2501830093, ClinGen allele CA389144440.
Genomic context (GRCh38, chr14:20,472,393, plus strand): 5'-ACTGCAGAATGGCTTCTGTCTCACACTAAGCACCGACCTCAAGTTGCAATAATCTGTGGT[T>C]CTGGATTAGGAGGTCTGACTGATAAATTAACTCAGGCCCAGATCTTTGACTACGGTGAAA-3'
Protein context (NP_000261.2, residues 23-43): HRPQVAIICG[Ser33Pro]GLGGLTDKLT

ClinVar aggregate classification (germline): Conflicting classifications of pathogenicity. Review status: criteria provided, conflicting classifications (1 of 4 stars). 2 submissions from 2 submitters: Likely pathogenic (1); Uncertain significance (1). Last evaluated 2025-01-03.

Conditions:
Purine-nucleoside phosphorylase deficiency. Also called: NUCLEOSIDE PHOSPHORYLASE DEFICIENCY; Immunodeficiency due to purine nucleoside phosphorylase deficiency. Identifiers: Orphanet 760, MedGen C0268125, MONDO:0013171, OMIM 613179.

Allele frequency attached by ClinVar (database versions not stated): gnomAD exomes below 0.00001.
gnomAD v4.1: 3 of 1,614,010 alleles (0.00019%); highest among the groups gnomAD compares: Non-Finnish European, 0.00025%; no homozygotes.

Submissions (2):

Women's Health and Genetics/Laboratory Corporation of America, LabCorp
Classification: Uncertain significance. Last evaluated: 2025-01-03. Review status: criteria provided, single submitter. Criteria: LabCorp Variant Classification Summary - May 2015. Collection method: clinical testing. Allele origin: germline.
Comment: Variant summary: PNP c.97T>C (p.Ser33Pro) results in a non-conservative amino acid change in the encoded protein sequence. Five of five in-silico tools predict a damaging effect of the variant on protein function. The variant was absent in 251482 control chromosomes. The available data on variant occurrences in the general population are insufficient to allow any conclusion about variant significance. c.97T>C has been reported in the literature as heterozygous genotype in an individual affected with Severe Combined Immunodeficiency (Lunke_2023). These report(s) do not provide unequivocal conclusions about association of the variant with Severe Combined Immunodeficiency. To our knowledge, no experimental evidence demonstrating an impact on protein function has been reported. The following publication have been ascertained in the context of this evaluation (PMID: 37291213). ClinVar contains an entry for this variant (Variation ID: 2500721). Based on the evidence outlined above, the variant was classified as uncertain significance.

Victorian Clinical Genetics Services, Murdoch Childrens Research Institute
Classification: Likely pathogenic for Purine-nucleoside phosphorylase deficiency. Last evaluated: 2022-02-02. Review status: criteria provided, single submitter. Criteria: ACMG Guidelines, 2015. Collection method: clinical testing. Allele origin: germline. Inheritance: Autosomal recessive inheritance. Affected: yes.
Comment: Based on the classification scheme VCGS_Germline_v1.3.4, this variant is classified as Likely Pathogenic. Following criteria are met: 0102 - Loss of function is a known mechanism of disease in this gene and is associated with immunodeficiency due to purine nucleoside phosphorylase deficiency (MIM#613179). (I) 0106 - This gene is associated with autosomal recessive disease. (I) 0200 - Variant is predicted to result in a missense amino acid change from serine to proline. (I) 0252 - This variant is homozygous. (I) 0301 - Variant is absent from gnomAD (both v2 and v3). (SP) 0501 - Missense variant consistently predicted to be damaging by multiple in silico tools or highly conserved with a major amino acid change. (SP) 0601 - Variant is located in the phosphate binding site of the well-established functional PNP-EcPNPII_like domain (NCBI, PMID: 11444966). (SP) 0705 - No comparable missense variants have previous evidence for pathogenicity. (I) 0807 - This variant has no previous evidence of pathogenicity. (I) 0905 - No published segregation evidence has been identified for this variant. (I) 1005 - Clinically accredited laboratory assay specific to gene product shows abnormal protein function. (SP) 1207 - Parental origin of the variant is unresolved. (I) Legend: (SP) - Supporting pathogenic, (I) - Information, (SB) - Supporting benign

Literature cited by the submitters: PubMed 37291213 (cited by Women's Health and Genetics/Laboratory Corporation of America, LabCorp); PubMed 11444966 (cited by Victorian Clinical Genetics Services, Murdoch Childrens Research Institute).